The following is an entry in ClinVar:

ClinVar aggregate classification (germline): Uncertain significance. Review status: criteria provided, multiple submitters, no conflicts (2 of 4 stars). 2 submissions from 2 submitters: Uncertain significance (2). Last evaluated 2024-07-30.

Conditions:
Cardiovascular phenotype. Identifiers: MedGen CN230736.
Arrhythmogenic right ventricular dysplasia 11. Also called: Arrhythmogenic right ventricular dysplasia 11 with mild palmoplantar keratoderma and woolly hair; Arrhythmogenic Right Ventricular Dysplasia/Cardiomyopathy11; ARRHYTHMOGENIC RIGHT VENTRICULAR DYSPLASIA, FAMILIAL, 11. Identifiers: MedGen C1864850, MONDO:0012506, OMIM 610476.

Allele frequency attached by ClinVar (database versions not stated): ExAC 0.00001; gnomAD 0.00001; TOPMed 0.00002.
gnomAD v4.1: 2 of 1,613,696 alleles (0.00012%); highest among the groups gnomAD compares: African/African-American, 0.0027%; no homozygotes.

Submissions (2):

Labcorp Genetics (formerly Invitae), Labcorp
Classification: Uncertain significance for Arrhythmogenic right ventricular dysplasia 11. Last evaluated: 2024-07-30. Review status: criteria provided, single submitter. Criteria: Invitae Variant Classification Sherloc (09022015). Collection method: clinical testing. Allele origin: germline.
Comment: This sequence change replaces glycine, which is neutral and non-polar, with glutamic acid, which is acidic and polar, at codon 746 of the DSC2 protein (p.Gly746Glu). This variant is present in population databases (rs752499852, gnomAD 0.007%). This variant has not been reported in the literature in individuals affected with DSC2-related conditions. ClinVar contains an entry for this variant (Variation ID: 2274200). Advanced modeling of protein sequence and biophysical properties (such as structural, functional, and spatial information, amino acid conservation, physicochemical variation, residue mobility, and thermodynamic stability) performed at Invitae indicates that this missense variant is expected to disrupt DSC2 protein function with a positive predictive value of 80%. In summary, the available evidence is currently insufficient to determine the role of this variant in disease. Therefore, it has been classified as a Variant of Uncertain Significance.

Ambry Genetics
Classification: Uncertain significance for Cardiovascular phenotype. Last evaluated: 2022-01-27. Review status: criteria provided, single submitter. Criteria: Ambry Variant Classification Scheme 2023. Collection method: clinical testing. Allele origin: germline.

NM_024422.6(DSC2):c.2237G>A (p.Gly746Glu)

Gene: DSC2 (desmocollin 2; minus strand). Cytogenetic location: 18q12.1.
Variant type: single nucleotide variant.
Coding change: c.2237G>A on transcript NM_024422.6 (MANE Select); coding-DNA position 2237, G replaced by A.
Protein change: p.Gly746Glu; replaces glycine 746 with glutamic acid.
Molecular consequence: missense variant.
Genome position (GRCh38, 1-based): chr18:31,070,739, C>T on the plus strand (G>A on the coding strand, the complement: DSC2 is on the minus strand). VCF-style: chr18-31070739-C-T. GRCh37 (hg19) VCF-style: chr18-28650705-C-T.
Other names: c.1808G>A, p.Gly603Glu (NM_001406506.1, NM_001406507.1); c.2237G>A, p.Gly746Glu (NM_004949.5); short protein forms G603E, G746E.
Identifiers: ClinVar variation 2274200 (VCV002274200.4), dbSNP rs752499852, ClinGen allele CA035526.